The following is an entry in ClinVar:

ClinVar aggregate classification (germline): Uncertain significance (1 of 4 stars; one submission).

Conditions:
Oligodontia-cancer predisposition syndrome. Also called: TOOTH AGENESIS-COLORECTAL CANCER SYNDROME. Identifiers: Orphanet 300576, MedGen C1837750, MONDO:0012075, OMIM 608615. Disease mechanism: loss of function.

Submission:

Labcorp Genetics (formerly Invitae), Labcorp
Classification: Uncertain significance for Oligodontia-cancer predisposition syndrome. Last evaluated: 2020-09-03. Review status: criteria provided, single submitter. Criteria: Invitae Variant Classification Sherloc (09022015). Collection method: clinical testing. Allele origin: germline.
Comment: In summary, the available evidence is currently insufficient to determine the role of this variant in disease. Therefore, it has been classified as a Variant of Uncertain Significance. Experimental studies and prediction algorithms are not available or were not evaluated, and the functional significance of this variant is currently unknown. This variant has not been reported in the literature in individuals with AXIN2-related conditions. This variant is not present in population databases (ExAC no frequency). This variant, c.179_193dup, results in the insertion of 5 amino acid(s) to the AXIN2 protein (p.Glu64_Pro65insHisGlyLeuGlyGlu), but otherwise preserves the integrity of the reading frame.

NM_004655.4(AXIN2):c.179_193dup (p.Glu64_Pro65insHisGlyLeuGlyGlu)

Gene: AXIN2 (axin 2; minus strand). Cytogenetic location: 17q24.1.
Variant type: Duplication.
Coding change: c.179_193dup on transcript NM_004655.4 (MANE Select); coding-DNA positions 179 to 193, 15 bases duplicated (ATGGGTTGGGGGAGC).
Protein change: p.Glu64_Pro65insHisGlyLeuGlyGlu.
Molecular consequence: inframe insertion.
Genome position (GRCh38, 1-based): chr17:65,558,428-65,558,442, GCTCCCCCAACCCAT duplicated on the plus strand (ATGGGTTGGGGGAGC on the coding strand, the reverse complement: AXIN2 is on the minus strand). VCF-style (leftmost placement, unchanged base first): chr17-65558427-G-GGCTCCCCCAACCCAT. GRCh37 (hg19) VCF-style: chr17-63554545-G-GGCTCCCCCAACCCAT.
Other names: c.179_193dup, p.Glu64_Pro65insHisGlyLeuGlyGlu (NM_001363813.1).
Identifiers: ClinVar variation 1001783 (VCV001001783.8), dbSNP rs2044307675, ClinGen allele CA2270894459.